The following is an entry in ClinVar:

ClinVar aggregate classification (germline): Uncertain significance. Review status: criteria provided, multiple submitters, no conflicts (2 of 4 stars). 2 submissions from 2 submitters: Uncertain significance (2). Last evaluated 2025-01-23.

Allele frequency attached by ClinVar (database versions not stated): gnomAD exomes below 0.00001; gnomAD 0.00001; TOPMed 0.00005.
gnomAD v4.1: 4 of 1,613,970 alleles (0.00025%); highest among the groups gnomAD compares: African/African-American, 0.0053%; no homozygotes.

Submissions (2):

Labcorp Genetics (formerly Invitae), Labcorp
Classification: Uncertain significance. Last evaluated: 2025-01-23. Review status: criteria provided, single submitter. Criteria: Invitae Variant Classification Sherloc (09022015). Collection method: clinical testing. Allele origin: germline.
Comment: This sequence change replaces glycine, which is neutral and non-polar, with aspartic acid, which is acidic and polar, at codon 1413 of the ARID1B protein (p.Gly1413Asp). This variant is not present in population databases (gnomAD no frequency). This variant has not been reported in the literature in individuals affected with ARID1B-related conditions. ClinVar contains an entry for this variant (Variation ID: 1201669). Invitae Evidence Modeling of protein sequence and biophysical properties (such as structural, functional, and spatial information, amino acid conservation, physicochemical variation, residue mobility, and thermodynamic stability) indicates that this missense variant is not expected to disrupt ARID1B protein function with a negative predictive value of 95%. In summary, the available evidence is currently insufficient to determine the role of this variant in disease. Therefore, it has been classified as a Variant of Uncertain Significance.

GeneDx
Classification: Uncertain significance. Last evaluated: 2019-04-29. Review status: criteria provided, single submitter. Criteria: GeneDx Variant Classification Process June 2021. Collection method: clinical testing. Allele origin: germline. Affected: yes.
Comment: Not observed in large population cohorts (Lek et al., 2016); In silico analysis, which includes protein predictors and evolutionary conservation, supports a deleterious effect; Has not been previously published as pathogenic or benign to our knowledge

NM_001374828.1(ARID1B):c.4607G>A (p.Gly1536Asp)

Gene: ARID1B (AT-rich interaction domain 1B; plus strand). Cytogenetic location: 6q25.3.
Variant type: single nucleotide variant.
Coding change: c.4607G>A on transcript NM_001374828.1 (MANE Select); coding-DNA position 4607, G replaced by A.
Protein change: p.Gly1536Asp; replaces glycine 1536 with aspartic acid.
Molecular consequence: missense variant.
Genome position (GRCh38, 1-based): chr6:157,200,832, G>A. VCF-style: chr6-157200832-G-A. GRCh37 (hg19) VCF-style: chr6-157521966-G-A.
Other names: c.4238G>A (NM_020732.3); c.2108G>A, p.Gly703Asp (NM_001363725.2); c.4487G>A, p.Gly1496Asp (NM_001371656.1, NM_001374820.1); c.4448G>A, p.Gly1483Asp (NM_017519.3); short protein forms G1483D, G1496D, G1536D, G703D.
Identifiers: ClinVar variation 1201669 (VCV001201669.5), dbSNP rs960896358, ClinGen allele CA150369765.